The following is an entry in ClinVar:

ClinVar aggregate classification (germline): Uncertain significance. Review status: criteria provided, multiple submitters, no conflicts (2 of 4 stars). 2 submissions from 2 submitters: Uncertain significance (2). Last evaluated 2026-02-24.

Conditions:
Duchenne muscular dystrophy (DMD). Also called: MUSCULAR DYSTROPHY, PSEUDOHYPERTROPHIC PROGRESSIVE, DUCHENNE TYPE; Duchenne Muscular Dystrophy (DMD). Identifiers: Orphanet 98896, MedGen C0013264, MONDO:0010679, OMIM 310200.
Cardiovascular phenotype. Identifiers: MedGen CN230736.

Submissions (2):

Ambry Genetics
Classification: Uncertain significance for Cardiovascular phenotype. Last evaluated: 2026-02-24. Review status: criteria provided, single submitter. Criteria: Ambry Variant Classification Scheme 2023. Collection method: clinical testing. Allele origin: germline.

Labcorp Genetics (formerly Invitae), Labcorp
Classification: Uncertain significance for Duchenne muscular dystrophy. Last evaluated: 2025-08-20. Review status: criteria provided, single submitter. Criteria: Invitae Variant Classification Sherloc (09022015). Collection method: clinical testing. Allele origin: germline.
Comment: This sequence change replaces alanine, which is neutral and non-polar, with proline, which is neutral and non-polar, at codon 648 of the DMD protein (p.Ala648Pro). This variant is not present in population databases (gnomAD no frequency). This variant has not been reported in the literature in individuals affected with DMD-related conditions. ClinVar contains an entry for this variant (Variation ID: 3606749). Invitae Evidence Modeling of protein sequence and biophysical properties (such as structural, functional, and spatial information, amino acid conservation, physicochemical variation, residue mobility, and thermodynamic stability) indicates that this missense variant is not expected to disrupt DMD protein function with a negative predictive value of 95%. In summary, the available evidence is currently insufficient to determine the role of this variant in disease. Therefore, it has been classified as a Variant of Uncertain Significance.

NM_004006.3(DMD):c.1942G>C (p.Ala648Pro)

Gene: DMD (dystrophin; minus strand). Cytogenetic location: Xp21.1.
Variant type: single nucleotide variant.
Coding change: c.1942G>C on transcript NM_004006.3 (MANE Select); coding-DNA position 1942, G replaced by C.
Protein change: p.Ala648Pro; replaces alanine 648 with proline.
Molecular consequence: missense variant.
Genome position (GRCh38, 1-based): chrX:32,565,752, C>G on the plus strand (G>C on the coding strand, the complement: DMD is on the minus strand). VCF-style: chrX-32565752-C-G. GRCh37 (hg19) VCF-style: chrX-32583869-C-G.
Other names: c.1918G>C, p.Ala640Pro (NM_000109.4); c.1930G>C, p.Ala644Pro (NM_004009.3); c.1573G>C, p.Ala525Pro (NM_004010.3); short protein forms A525P, A640P, A644P, A648P.
Identifiers: ClinVar variation 3606749 (VCV003606749.3).